The following is an entry in ClinVar:

NM_133433.4(NIPBL):c.771+1G>A

Gene: NIPBL (NIPBL cohesin loading factor; plus strand). Cytogenetic location: 5p13.2.
Variant type: single nucleotide variant.
Coding change: c.771+1G>A on transcript NM_133433.4 (MANE Select); the canonical splice donor site of the intron after coding-DNA position 771, G replaced by A.
Molecular consequence: splice donor variant.
Genome position (GRCh38, 1-based): chr5:36,971,037, G>A. VCF-style: chr5-36971037-G-A. GRCh37 (hg19) VCF-style: chr5-36971139-G-A.
Other names: c.771+1G>A (NM_015384.5).
Identifiers: ClinVar variation 159235 (VCV000159235.39), dbSNP rs587784048, ClinGen allele CA333509.

ClinVar aggregate classification (germline): Pathogenic. Review status: criteria provided, multiple submitters, no conflicts (2 of 4 stars). 8 submissions from 8 submitters: Pathogenic (7). 1 of the submissions does not count toward it. Last evaluated 2024-12-16.

Conditions:
Inborn genetic diseases. Identifiers: MedGen C0950123, MeSH D030342.
Cornelia de Lange syndrome 1 (CDLS1). Also called: TYPUS DEGENERATIVUS AMSTELODAMENSIS; NIPBL-Related Cornelia de Lange Syndrome; Brachmann de Lange syndrome. Identifiers: Orphanet 199, MedGen C4551851, MONDO:0007387, OMIM 122470.

Submissions (8):

Labcorp Genetics (formerly Invitae), Labcorp
Classification: Pathogenic for Cornelia de Lange syndrome 1. Last evaluated: 2024-12-16. Review status: criteria provided, single submitter. Criteria: Invitae Variant Classification Sherloc (09022015). Collection method: clinical testing. Allele origin: germline.
Comment: This sequence change affects a donor splice site in intron 7 of the NIPBL gene. It is expected to disrupt RNA splicing. Variants that disrupt the donor or acceptor splice site typically lead to a loss of protein function (PMID: 16199547), and loss-of-function variants in NIPBL are known to be pathogenic (PMID: 15318302, 19763162, 23505322, 29995837). This variant is not present in population databases (gnomAD no frequency). Disruption of this splice site has been observed in individual(s) with Cornelia de Lange syndrome (PMID: 25574841, 28588001). In at least one individual the variant was observed to be de novo. Invitae Evidence Modeling of clinical and family history, age, sex, and reported ancestry of multiple individuals with this NIPBL variant has been performed. This variant is expected to be pathogenic with a positive predictive value of at least 99%. This is a validated machine learning model that incorporates the clinical features of 8,969 individuals referred to our laboratory for NIPBL testing. ClinVar contains an entry for this variant (Variation ID: 159235). Algorithms developed to predict the effect of sequence changes on RNA splicing suggest that this variant may disrupt the consensus splice site. For these reasons, this variant has been classified as Pathogenic.

Victorian Clinical Genetics Services, Murdoch Childrens Research Institute
Classification: Pathogenic for Cornelia de Lange syndrome 1. Last evaluated: 2024-10-09. Review status: criteria provided, single submitter. Criteria: ACMG Guidelines, 2015. Collection method: clinical testing. Allele origin: germline. Inheritance: Autosomal dominant inheritance. Affected: yes.
Comment: Based on the classification scheme VCGS_Germline_v1.3.4, this variant is classified as Pathogenic. Following criteria are met: 0102 - Loss of function is a known mechanism of disease in this gene and is associated with Cornelia de Lange syndrome 1 (MIM#122470). (I) 0107 - This gene is associated with autosomal dominant disease. (I) 0211 - Canonical splice site variant without proven consequence on splicing (no functional evidence available). The variant has been described to result in an in-frame deletion of the last seven amino acids of exon 7; however, data supporting this observation was not provided (PMID: 28588001). (SP) 0251 - This variant is heterozygous. (I) 0301 - Variant is absent from gnomAD (both v2 and v3). (SP) 0311 - An alternative nucleotide change at the same canonical splice site is present in gnomAD (v3) (1 heterozygote, 0 homozygotes). (I) 0505 - Abnormal splicing is predicted by in silico tools and affected nucleotide is highly conserved. (SP) 0801 - This variant has strong previous evidence of pathogenicity in unrelated individuals. It has been observed in multiple individuals with Cornelia de Lange syndrome (PMIDs: 28588001, 25574841, 32037394). In addition, it has been reported as pathogenic by multiple clinical laboratories (ClinVar). (SP) 1101 - Very strong and specific phenotype match for this individual. (SP) Legend: (SP) - Supporting pathogenic, (I) - Information, (SB) - Supporting benign

CeGaT Center for Human Genetics Tuebingen
Classification: Pathogenic. Last evaluated: 2024-05-01. Review status: criteria provided, single submitter. Criteria: CeGaT Center For Human Genetics Tuebingen Variant Classification Criteria Version 2. Collection method: clinical testing. Allele origin: germline. Affected: yes. Observed: 1 variant allele.
Comment: NIPBL: PVS1, PS2, PM2, PS4:Moderate

Genome-Nilou Lab
Classification: Pathogenic for Cornelia de Lange syndrome 1. Last evaluated: 2021-07-15. Review status: criteria provided, single submitter. Criteria: ACMG Guidelines, 2015. Collection method: clinical testing. Allele origin: germline. Affected: no.

Ambry Genetics
Classification: Pathogenic for Inborn genetic diseases. Last evaluated: 2018-05-11. Review status: criteria provided, single submitter. Criteria: Ambry exome assertion method (8-5-2015). Collection method: clinical testing. Allele origin: germline. Affected: yes. Observed: 1 variant allele.

Eurofins Ntd Llc (ga)
Classification: Pathogenic. Last evaluated: 2015-10-05. Review status: criteria provided, single submitter. Criteria: EGL Classification Definitions 2015. Collection method: clinical testing. Allele origin: germline. Observed: 1 variant allele, 1 heterozygote.

Genetic Services Laboratory, University of Chicago
Classification: Pathogenic for Cornelia de Lange syndrome 1. Last evaluated: 2013-02-08. Review status: criteria provided, single submitter. Criteria: ACMG Guidelines, 2007. Collection method: clinical testing. Allele origin: germline. Inheritance: Autosomal dominant inheritance. Affected: yes.

Lupski Lab, Baylor-Hopkins CMG, Baylor College of Medicine
Classification: Pathogenic for Cornelia de Lange Syndrome 1 (CdLS1). Last evaluated: 2014-12-02. Review status: no assertion criteria provided. Collection method: research. Allele origin: de novo. Affected: yes. Observed: 1 heterozygote. Not counted in ClinVar's aggregate classification.

Literature cited by the submitters: PubMed 16199547 (cited by Labcorp Genetics (formerly Invitae), Labcorp); PubMed 15318302 (cited by Labcorp Genetics (formerly Invitae), Labcorp); PubMed 19763162 (cited by Labcorp Genetics (formerly Invitae), Labcorp); PubMed 23505322 (cited by Labcorp Genetics (formerly Invitae), Labcorp); PubMed 29995837 (cited by Labcorp Genetics (formerly Invitae), Labcorp); PubMed 25574841 (cited by 4 submitters); PubMed 28588001 (cited by 3 submitters); PubMed 32037394 (cited by Victorian Clinical Genetics Services, Murdoch Childrens Research Institute); PubMed 29159939 (cited by Ambry Genetics).